The following is an entry in ClinVar:

ClinVar aggregate classification (germline): Benign. Review status: criteria provided, multiple submitters, no conflicts (2 of 4 stars). 4 submissions from 4 submitters: Benign (4). Last evaluated 2024-01-24.

Conditions:
T-B+ severe combined immunodeficiency due to JAK3 deficiency. Also called: SCID, autosomal recessive, T-negative/B-positive type; SCID, T CELL-NEGATIVE, B CELL-POSITIVE, NK CELL-NEGATIVE. Identifiers: Orphanet 35078, MedGen C1833275, MONDO:0010938, OMIM 600802.

Allele frequency attached by ClinVar (database versions not stated): gnomAD 0.52650 and 0.52289; TOPMed 0.53075; gnomAD exomes 0.48158; 1000 Genomes Project 30x 0.54060; 1000 Genomes Project 0.54014.
gnomAD v4.1: 514,545 of 1,054,640 alleles (49%); highest among the groups gnomAD compares: African/African-American, 64%; 126,994 homozygotes.

Submissions (4):

Unidad de Genómica Garrahan, Hospital de Pediatría Garrahan
Classification: Benign. Last evaluated: 2024-01-24. Review status: criteria provided, single submitter. Criteria: ACMG Guidelines, 2015. Collection method: clinical testing. Allele origin: germline. Affected: no. Observed: 18 variant alleles.
Comment: This variant is classified as Benign based on local population frequency. This variant was detected in 20% of patients studied by a panel of primary immunodeficiencies. Number of patients: 18. Only high quality variants are reported.

GeneDx
Classification: Benign. Last evaluated: 2018-07-09. Review status: criteria provided, single submitter. Criteria: GeneDx Variant Classification Process June 2021. Collection method: clinical testing. Allele origin: germline. Affected: yes.

Illumina Laboratory Services, Illumina
Classification: Benign for T-B+ severe combined immunodeficiency due to JAK3 deficiency. Last evaluated: 2018-01-13. Review status: criteria provided, single submitter. Criteria: ICSL Variant Classification Criteria 13 December 2019. Collection method: clinical testing. Allele origin: germline.
Comment: This variant was observed in the ICSL laboratory as part of a predisposition screen in an ostensibly healthy population. It had not been previously curated by ICSL or reported in the Human Gene Mutation Database (HGMD: prior to June 1st, 2018), and was therefore a candidate for classification through an automated scoring system. Utilizing variant allele frequency, disease prevalence and penetrance estimates, and inheritance mode, an automated score was calculated to assess if this variant is too frequent to cause the disease. Based on the score and internal cut-off values, a variant classified as benign is not then subjected to further curation. The score for this variant resulted in a classification of benign for this disease.

Breakthrough Genomics
Classification: Benign. Review status: criteria provided, single submitter. Criteria: ACMG Guidelines, 2015. Collection method: not provided. Allele origin: germline. Inheritance: Autosomal recessive inheritance. Affected: yes.

NM_000215.4(JAK3):c.*123T>C

Gene: JAK3 (Janus kinase 3; minus strand). Cytogenetic location: 19p13.11.
Variant type: single nucleotide variant.
Coding change: c.*123T>C on transcript NM_000215.4 (MANE Select); 123 bases downstream of the stop codon, T replaced by C.
Molecular consequence: 3 prime UTR variant.
Genome position (GRCh38, 1-based): chr19:17,826,620, A>G on the plus strand (T>C on the coding strand, the complement: JAK3 is on the minus strand). VCF-style: chr19-17826620-A-G. GRCh37 (hg19) VCF-style: chr19-17937429-A-G.
Identifiers: ClinVar variation 328495 (VCV000328495.9), dbSNP rs3008, ClinGen allele CA10651615.